The following is an entry in ClinVar:

NM_144687.4(NLRP12):c.2772_2785dup (p.Ala929fs)

Gene: NLRP12 (NLR family pyrin domain containing 12; minus strand). Cytogenetic location: 19q13.42.
Variant type: Duplication.
Coding change: c.2772_2785dup on transcript NM_144687.4 (MANE Select); coding-DNA positions 2772 to 2785, 14 bases duplicated (GCTGGGCTCTGCCG).
Protein change: p.Ala929fs; shifts the reading frame from alanine 929.
Molecular consequence: frameshift variant. On other transcripts: intron variant (1).
Genome position (GRCh38, 1-based): chr19:53,798,385-53,798,398, CGGCAGAGCCCAGC duplicated on the plus strand (GCTGGGCTCTGCCG on the coding strand, the reverse complement: NLRP12 is on the minus strand); duplicating any 14 consecutive bases within chr19:53,798,385-53,798,405 gives the same sequence; the c. name uses the placement nearest the transcript's 3' end. VCF-style (leftmost placement, unchanged base first): chr19-53798384-G-GCGGCAGAGCCCAGC. GRCh37 (hg19) VCF-style: chr19-54301638-G-GCGGCAGAGCCCAGC.
Other names: c.2775_2788dup, p.Ala930fs (NM_001277126.2); c.2757-2369_2757-2356dup (NM_001277129.1); short protein forms A929fs, A930fs.
Identifiers: ClinVar variation 2799693 (VCV002799693.4), dbSNP rs2514233922, ClinGen allele CA2586953720.
Genomic context (GRCh38, chr19:53,798,384, plus strand): 5'-CTCAAGTCCAGCTCCCGGAGGTTGTGGTTGGCCTGGAGCACCACAGAAAGACCCTCACAG[G>GCGGCAGAGCCCAGC]CGGCAGAGCCCAGCCGGCAGATGCCCAACCTGCAAAGACAGGATGCTAGGGCGGAGTGGG-3'

ClinVar aggregate classification (germline): Uncertain significance. Review status: criteria provided, multiple submitters, no conflicts (2 of 4 stars). 2 submissions from 2 submitters: Uncertain significance (2). Last evaluated 2023-02-03.

Conditions:
Familial cold autoinflammatory syndrome 2 (FCAS2). Identifiers: Orphanet 247868, MedGen C2673198, MONDO:0012724, OMIM 611762.

Submissions (2):

Labcorp Genetics (formerly Invitae), Labcorp
Classification: Uncertain significance for Familial cold autoinflammatory syndrome 2. Last evaluated: 2023-02-03. Review status: criteria provided, single submitter. Criteria: Invitae Variant Classification Sherloc (09022015). Collection method: clinical testing. Allele origin: germline.
Comment: This sequence change creates a premature translational stop signal (p.Ala929Glyfs*25) in the NLRP12 gene. It is expected to result in an absent or disrupted protein product. However, the current clinical and genetic evidence is not sufficient to establish whether loss-of-function variants in NLRP12 cause disease. This variant is not present in population databases (gnomAD no frequency). This variant has not been reported in the literature in individuals affected with NLRP12-related conditions. In summary, the available evidence is currently insufficient to determine the role of this variant in disease. Therefore, it has been classified as a Variant of Uncertain Significance.

Blueprint Genetics
Classification: Uncertain significance. Last evaluated: 2020-02-27. Review status: criteria provided, single submitter. Criteria: ACMG Guidelines, 2015. Collection method: clinical testing. Allele origin: germline.